The following is an entry in ClinVar:

NM_004958.4(MTOR):c.1603A>G (p.Ile535Val)

Gene: MTOR (mechanistic target of rapamycin kinase; minus strand). Cytogenetic location: 1p36.22.
Variant type: single nucleotide variant.
Coding change: c.1603A>G on transcript NM_004958.4 (MANE Select); coding-DNA position 1603, A replaced by G.
Protein change: p.Ile535Val; replaces isoleucine 535 with valine.
Molecular consequence: missense variant.
Genome position (GRCh38, 1-based): chr1:11,240,486, T>C on the plus strand (A>G on the coding strand, the complement: MTOR is on the minus strand). VCF-style: chr1-11240486-T-C. GRCh37 (hg19) VCF-style: chr1-11300543-T-C.
Other names: c.1603A>G, p.Ile535Val (NM_001386500.1); c.355A>G, p.Ile119Val (NM_001386501.1); short protein forms I119V, I535V.
Identifiers: ClinVar variation 1976887 (VCV001976887.5), dbSNP rs1647861509, ClinGen allele CA338393090.

ClinVar aggregate classification (germline): Uncertain significance (1 of 4 stars; one submission).

Allele frequency attached by ClinVar (database versions not stated): gnomAD exomes below 0.00001.
gnomAD v4.1: 3 of 1,614,206 alleles (0.00019%); highest among the groups gnomAD compares: African/African-American, 0.0027%; no homozygotes.

Submission:

Labcorp Genetics (formerly Invitae), Labcorp
Classification: Uncertain significance. Last evaluated: 2024-11-04. Review status: criteria provided, single submitter. Criteria: Invitae Variant Classification Sherloc (09022015). Collection method: clinical testing. Allele origin: germline.
Comment: This sequence change replaces isoleucine, which is neutral and non-polar, with valine, which is neutral and non-polar, at codon 535 of the MTOR protein (p.Ile535Val). This variant is not present in population databases (gnomAD no frequency). This variant has not been reported in the literature in individuals affected with MTOR-related conditions. ClinVar contains an entry for this variant (Variation ID: 1976887). Invitae Evidence Modeling of protein sequence and biophysical properties (such as structural, functional, and spatial information, amino acid conservation, physicochemical variation, residue mobility, and thermodynamic stability) indicates that this missense variant is not expected to disrupt MTOR protein function with a negative predictive value of 95%. In summary, the available evidence is currently insufficient to determine the role of this variant in disease. Therefore, it has been classified as a Variant of Uncertain Significance.